The following is an entry in ClinVar:

ClinVar aggregate classification (germline): Conflicting classifications of pathogenicity. Review status: criteria provided, conflicting classifications (1 of 4 stars). 4 submissions from 4 submitters: Pathogenic (1); Likely pathogenic (2); Uncertain significance (1). Last evaluated 2025-11-19.

Conditions:
3-Oxo-5 alpha-steroid delta 4-dehydrogenase deficiency (PPSH). Also called: PSEUDOVAGINAL PERINEOSCROTAL HYPOSPADIAS; FAMILIAL INCOMPLETE MALE PSEUDOHERMAPHRODITISM, TYPE 2; MALE PSEUDOHERMAPHRODITISM DUE TO 5-ALPHA-REDUCTASE DEFICIENCY; 46,XY disorder of sex development due to 5-alpha-reductase 2 deficiency. Identifiers: Orphanet 753, MedGen C0268297, MONDO:0009923, OMIM 264600. Disease mechanism: loss of function.

Allele frequency attached by ClinVar (database versions not stated): gnomAD exomes 0.00005; TOPMed 0.00008; gnomAD 0.00009; ExAC 0.00017; 1000 Genomes Project 30x 0.00047; 1000 Genomes Project 0.00060.
gnomAD v4.1: 77 of 1,604,068 alleles (0.0048%); highest among the groups gnomAD compares: East Asian, 0.16%; 1 homozygote.

Submissions (4):

Labcorp Genetics (formerly Invitae), Labcorp
Classification: Pathogenic for 3-Oxo-5 alpha-steroid delta 4-dehydrogenase deficiency. Last evaluated: 2025-11-19. Review status: criteria provided, single submitter. Criteria: Invitae Variant Classification Sherloc (09022015). Collection method: clinical testing. Allele origin: germline.
Comment: This sequence change replaces glycine, which is neutral and non-polar, with arginine, which is basic and polar, at codon 66 of the SRD5A2 protein (p.Gly66Arg). This variant is present in population databases (rs550866120, gnomAD 0.3%), including at least one homozygous and/or hemizygous individual. This missense change has been observed in individual(s) with steroid 5-alpha-reductase deficiency (PMID: 25899528, 31186340, 31219235). ClinVar contains an entry for this variant (Variation ID: 2573396). Invitae Evidence Modeling of protein sequence and biophysical properties (such as structural, functional, and spatial information, amino acid conservation, physicochemical variation, residue mobility, and thermodynamic stability) indicates that this missense variant is not expected to disrupt SRD5A2 protein function with a negative predictive value of 80%. For these reasons, this variant has been classified as Pathogenic.

Fulgent Genetics
Classification: Likely pathogenic for 3-Oxo-5 alpha-steroid delta 4-dehydrogenase deficiency. Last evaluated: 2024-05-16. Review status: criteria provided, single submitter. Criteria: ACMG Guidelines, 2015. Collection method: clinical testing. Allele origin: germline.

Women's Health and Genetics/Laboratory Corporation of America, LabCorp
Classification: Uncertain significance. Last evaluated: 2023-06-14. Review status: criteria provided, single submitter. Criteria: LabCorp Variant Classification Summary - May 2015. Collection method: clinical testing. Allele origin: germline.
Comment: Variant summary: SRD5A2 c.193G>A (p.Gly65Arg) results in a non-conservative amino acid change in the encoded protein sequence. Two of three in-silico tools predict a benign effect of the variant on protein function. The variant allele was found at a frequency of 0.00021 in 234910 control chromosomes (gnomAD). c.193G>A has been reported in the literature in compound heterozygous individuals affected with penile anomalies including hypospadias and micropenis without strong evidence of causality (Wang_2018, Zhang_2019, Cheng_2015, Fan_2020, Liu_2022). These reports do not provide unequivocal conclusions about association of the variant with 3-Oxo-5 alpha-steroid delta 4-dehydrogenase deficiency. To our knowledge, no experimental evidence demonstrating an impact on protein function has been reported. The following publications have been ascertained in the context of this evaluation (PMID: 29582157, 31219235, 25899528, 32713132, 35700942). No clinical diagnostic laboratories have submitted clinical-significance assessments for this variant to ClinVar after 2014. Based on the evidence outlined above, the variant was classified as uncertain significance.

Juno Genomics, Hangzhou Juno Genomics, Inc
Classification: Likely pathogenic for 3-Oxo-5 alpha-steroid delta 4-dehydrogenase deficiency. Review status: criteria provided, single submitter. Criteria: ACMG Guidelines, 2015. Collection method: clinical testing. Allele origin: germline.
Comment: For recessive disorders, detected in trans with a pathogenic variant.;Patient's phenotype or family history is highly specific for a disease with a single genetic etiology.

Literature cited by the submitters: PubMed 25899528 (cited by Labcorp Genetics (formerly Invitae), Labcorp and Women's Health and Genetics/Laboratory Corporation of America, LabCorp); PubMed 31186340 (cited by Labcorp Genetics (formerly Invitae), Labcorp); PubMed 31219235 (cited by Labcorp Genetics (formerly Invitae), Labcorp and Women's Health and Genetics/Laboratory Corporation of America, LabCorp); PubMed 32713132 (cited by Women's Health and Genetics/Laboratory Corporation of America, LabCorp); PubMed 35700942 (cited by Women's Health and Genetics/Laboratory Corporation of America, LabCorp); PubMed 29582157 (cited by Women's Health and Genetics/Laboratory Corporation of America, LabCorp).

NM_000348.4(SRD5A2):c.196G>A (p.Gly66Arg)

Gene: SRD5A2 (steroid 5 alpha-reductase 2; minus strand). Cytogenetic location: 2p23.1.
Variant type: single nucleotide variant.
Coding change: c.196G>A on transcript NM_000348.4 (MANE Select); coding-DNA position 196, G replaced by A.
Protein change: p.Gly66Arg; replaces glycine 66 with arginine.
Molecular consequence: missense variant.
Genome position (GRCh38, 1-based): chr2:31,580,705, C>T on the plus strand (G>A on the coding strand, the complement: SRD5A2 is on the minus strand). VCF-style: chr2-31580705-C-T. GRCh37 (hg19) VCF-style: chr2-31805775-C-T.
Other names: short protein forms G66R.
Identifiers: ClinVar variation 2573396 (VCV002573396.7), dbSNP rs550866120, ClinGen allele CA1600013.